The following is an entry in ClinVar:

NM_016734.3(PAX5):c.394G>A (p.Val132Ile)

Gene: PAX5 (paired box 5; minus strand). Cytogenetic location: 9p13.2.
Variant type: single nucleotide variant.
Coding change: c.394G>A on transcript NM_016734.3 (MANE Select); coding-DNA position 394, G replaced by A.
Protein change: p.Val132Ile; replaces valine 132 with isoleucine.
Molecular consequence: missense variant. On other transcripts: non-coding transcript variant (2), intron variant (1).
Genome position (GRCh38, 1-based): chr9:37,015,013, C>T on the plus strand (G>A on the coding strand, the complement: PAX5 is on the minus strand). VCF-style: chr9-37015013-C-T. GRCh37 (hg19) VCF-style: chr9-37015010-C-T.
Other names: c.394G>A, p.Val132Ile (NM_001280547.2, NM_001280548.2, NM_001280549.2 and 4 more transcripts); c.70G>A, p.Val24Ile (NM_001280551.2, NM_001280556.2); c.212+5623G>A (NM_001280555.2); short protein forms V24I, V132I.
Identifiers: ClinVar variation 3885974 (VCV003885974.1).

ClinVar aggregate classification (germline): Uncertain significance (1 of 4 stars; one submission).

Conditions:
Inborn genetic diseases. Identifiers: MedGen C0950123, MeSH D030342.

gnomAD v4.1: 1 of 1,614,006 alleles (0.000062%); highest among the groups gnomAD compares: Non-Finnish European, 0.000085%; no homozygotes.

Submission:

Ambry Genetics
Classification: Uncertain significance for Inborn genetic diseases. Last evaluated: 2025-03-04. Review status: criteria provided, single submitter. Criteria: Ambry Variant Classification Scheme 2023. Collection method: clinical testing. Allele origin: germline.
Comment: The p.V132I variant (also known as c.394G>A), located in coding exon 3 of the PAX5 gene, results from a G to A substitution at nucleotide position 394. The valine at codon 132 is replaced by isoleucine, an amino acid with highly similar properties. This amino acid position is conserved. In addition, this alteration is predicted to be deleterious by in silico analysis. Based on the available evidence, the clinical significance of this variant remains unclear.